The following is an entry in ClinVar:

ClinVar aggregate classification (germline): Uncertain significance. Review status: criteria provided, multiple submitters, no conflicts (2 of 4 stars). 2 submissions from 2 submitters: Uncertain significance (2). Last evaluated 2025-10-13.

Conditions:
Early-infantile DEE. Also called: Early infantile epileptic encephalopathy with suppression bursts; Early infantile epileptic encephalopathy; Ohtahara syndrome. Identifiers: Orphanet 1934, MedGen C0393706, MONDO:0800491.

Allele frequency attached by ClinVar (database versions not stated): ExAC 0.00003; TOPMed 0.00001; gnomAD exomes 0.00002.
gnomAD v4.1: 25 of 1,609,334 alleles (0.0016%); highest among the groups gnomAD compares: East Asian, 0.013%; no homozygotes.

Submissions (2):

GeneDx
Classification: Uncertain significance. Last evaluated: 2025-10-13. Review status: criteria provided, single submitter. Criteria: GeneDx Variant Classification Process June 2021. Collection method: clinical testing. Allele origin: germline. Affected: yes.
Comment: In silico analysis supports that this missense variant has a deleterious effect on protein structure/function; This substitution is predicted to be in the extracellular loop between the S1 and S2 of the third homologous domain; Has not been previously published as pathogenic or benign to our knowledge; This variant is associated with the following publications: (PMID: 32276107)

Labcorp Genetics (formerly Invitae), Labcorp
Classification: Uncertain significance for Early-infantile DEE. Last evaluated: 2025-03-31. Review status: criteria provided, single submitter. Criteria: Invitae Variant Classification Sherloc (09022015). Collection method: clinical testing. Allele origin: germline.
Comment: This sequence change replaces threonine, which is neutral and polar, with methionine, which is neutral and non-polar, at codon 1247 of the SCN1A protein (p.Thr1247Met). This variant is present in population databases (rs765403943, gnomAD 0.005%). This variant has not been reported in the literature in individuals affected with SCN1A-related conditions. ClinVar contains an entry for this variant (Variation ID: 1983619). Invitae Evidence Modeling of protein sequence and biophysical properties (such as structural, functional, and spatial information, amino acid conservation, physicochemical variation, residue mobility, and thermodynamic stability) indicates that this missense variant is expected to disrupt SCN1A protein function with a positive predictive value of 95%. In summary, the available evidence is currently insufficient to determine the role of this variant in disease. Therefore, it has been classified as a Variant of Uncertain Significance.

NM_001165963.4(SCN1A):c.3740C>T (p.Thr1247Met)

Genes: SCN1A (sodium voltage-gated channel alpha subunit 1; minus strand), LOC102724058 (uncharacterized LOC102724058; plus strand). Cytogenetic location: 2q24.3.
Variant type: single nucleotide variant.
Coding change: c.3740C>T on transcript NM_001165963.4 (MANE Select); coding-DNA position 3740, C replaced by T.
Protein change: p.Thr1247Met; replaces threonine 1247 with methionine.
Molecular consequence: missense variant. On other transcripts: non-coding transcript variant (1).
Genome position (GRCh38, 1-based): chr2:166,012,248, G>A on the plus strand (C>T on the coding strand, the complement: SCN1A is on the minus strand). VCF-style: chr2-166012248-G-A. GRCh37 (hg19) VCF-style: chr2-166868758-G-A.
Other names: c.3740C>T (NM_001165963.1); c.3656C>T, p.Thr1219Met (NM_001165964.3, NM_001353957.2, NM_001353958.2); c.3740C>T, p.Thr1247Met (NM_001202435.3, NM_001353948.2); c.3707C>T, p.Thr1236Met (NM_001353949.2, NM_001353950.2, NM_001353951.2 and 2 more transcripts); c.3704C>T, p.Thr1235Met (NM_001353954.2, NM_001353955.2); c.3653C>T, p.Thr1218Met (NM_001353960.2); c.1298C>T, p.Thr433Met (NM_001353961.2); short protein forms T1235M, T1218M, T1247M, T1236M, T433M, T1219M.
Identifiers: ClinVar variation 1983619 (VCV001983619.6), dbSNP rs765403943, ClinGen allele CA1942891.